The following is an entry in ClinVar:

NM_003194.5(TBP):c.221_222insGC (p.Gln75fs)

Genes: TBP (TATA-box binding protein; plus strand), LOC108663996 (TATA-box binding protein repeat instability region; plus strand). Cytogenetic location: 6q27.
Variant type: Insertion.
Coding change: c.221_222insGC on transcript NM_003194.5 (MANE Select); coding-DNA positions 221 to 222, GC inserted.
Protein change: p.Gln75fs; shifts the reading frame from glutamine 75.
Molecular consequence: frameshift variant.
Genome position: GRCh38 VCF-style: chr6-170561957-A-AGC. GRCh37 (hg19) VCF-style: chr6-170871045-A-AGC.
Other names: p.Gln75Hisfs*70; c.161_162insGC, p.Gln55fs (NM_001172085.2); short protein forms Q55fs, Q75fs.
Identifiers: ClinVar variation 634587 (VCV000634587.5), dbSNP rs1290125655, ClinGen allele CA572352972.
Genomic context (GRCh38, chr6:170,561,957, plus strand): 5'-AGCAACAAAGGCAGCAGCAGCAACAACAACAGCAGCAGCAGCAGCAGCAGCAGCAACAGC[A>AGC]ACAGCAGCAGCAGCAGCAGCAGCAGCAGCAGCAGCAGCAGCAGCAGCAGCAGCAGCAGCA-3'

ClinVar aggregate classification (germline): Conflicting classifications of pathogenicity. Review status: criteria provided, conflicting classifications (1 of 4 stars). 2 submissions from 2 submitters: Uncertain significance (1); Benign (1). Last evaluated 2024-03-12.

Conditions:
Spinocerebellar ataxia type 17 (SCA17). Also called: HUNTINGTON DISEASE-LIKE 4; Cerebelloparenchymal disorder II; Spinocerebellar Ataxia Type17; Olivopontocerebellar atrophy V; Olivopontocerebellar atrophy 5. Identifiers: Orphanet 98759, MedGen C1846707, MONDO:0011781, OMIM 607136.

Allele frequency attached by ClinVar (database versions not stated): gnomAD exomes 0.00022; gnomAD 0.00082 and 0.00100.

Submissions (2):

Mayo Clinic Laboratories, Mayo Clinic
Classification: Benign. Last evaluated: 2024-03-12. Review status: criteria provided, single submitter. Criteria: ACMG Guidelines, 2015. Collection method: clinical testing. Allele origin: germline. Observed: 4 variant alleles.
Comment: BS1, BS2

Genomic Research Center, Shahid Beheshti University of Medical Sciences
Classification: Uncertain significance for Spinocerebellar ataxia 17. Last evaluated: 2019-01-01. Review status: criteria provided, single submitter. Criteria: ACMG Guidelines, 2015. Collection method: clinical testing. Allele origin: unknown. Affected: yes. Observed: 1 variant allele.